The following is an entry in ClinVar:

ClinVar aggregate classification (germline): Pathogenic/Likely pathogenic. Review status: criteria provided, multiple submitters, no conflicts (2 of 4 stars). 5 submissions from 5 submitters: Pathogenic (4); Likely pathogenic (1). Last evaluated 2025-09-20.

Conditions:
KBG syndrome (KBGS). Also called: ANKRD11-Related KBG Syndrome. Identifiers: Orphanet 2332, MedGen C0220687, MONDO:0007846, OMIM 148050.

Submissions (5):

3billion
Classification: Pathogenic for KBG syndrome. Last evaluated: 2025-09-20. Review status: criteria provided, single submitter. Criteria: ACMG Guidelines, 2015. Collection method: clinical testing. Allele origin: germline. Affected: yes.
Comment: The variant is not observed in the gnomAD v4.1.0 dataset. Predicted Consequence/Location: Frameshift: predicted to result in a loss or disruption of normal protein function through nonsense-mediated decay (NMD) or protein truncation. Multiple pathogenic variants are reported downstream of the variant. The variant has been reported at least twice as pathogenic with clinical assertions and evidence for the classification (ClinVar ID: VCV001341539 /PMID: 35682590). Therefore, this variant is classified as Pathogenic according to the recommendation of ACMG/AMP guideline.

GeneDx
Classification: Pathogenic. Last evaluated: 2025-01-02. Review status: criteria provided, single submitter. Criteria: GeneDx Variant Classification Process June 2021. Collection method: clinical testing. Allele origin: germline. Affected: yes.
Comment: Frameshift variant predicted to result in protein truncation or nonsense mediated decay in a gene for which loss of function is a known mechanism of disease; Not observed at significant frequency in large population cohorts (gnomAD); This variant is associated with the following publications: (PMID: 25652421, 21782149, 25413698, 25125236, 35682590)

Laboratorio de Genetica e Diagnostico Molecular, Hospital Israelita Albert Einstein
Classification: Likely pathogenic for KBG syndrome. Last evaluated: 2024-11-04. Review status: criteria provided, single submitter. Criteria: ACMG Guidelines, 2015. Collection method: clinical testing. Allele origin: germline. Affected: yes.
Comment: ACMG classification criteria: PVS1 very strong, PM2 supporting

Labcorp Genetics (formerly Invitae), Labcorp
Classification: Pathogenic for KBG syndrome. Last evaluated: 2022-11-08. Review status: criteria provided, single submitter. Criteria: Invitae Variant Classification Sherloc (09022015). Collection method: clinical testing. Allele origin: germline.
Comment: For these reasons, this variant has been classified as Pathogenic. ClinVar contains an entry for this variant (Variation ID: 1341539). This variant has not been reported in the literature in individuals affected with ANKRD11-related conditions. This variant is not present in population databases (gnomAD no frequency). This sequence change creates a premature translational stop signal (p.Lys1107Alafs*210) in the ANKRD11 gene. It is expected to result in an absent or disrupted protein product. Loss-of-function variants in ANKRD11 are known to be pathogenic (PMID: 21782149, 25125236, 25413698, 25652421).

Medical Cytogenetics and Molecular Genetics Laboratory, IRCCS Istituto Auxologico Italiano
Classification: Pathogenic for KBG syndrome. Last evaluated: 2021-11-01. Review status: criteria provided, single submitter. Criteria: ACMG Guidelines, 2015. Collection method: research. Allele origin: germline. Affected: yes. Observed: 1 variant allele.

Literature cited by the submitters: PubMed 35682590 (cited by 3billion); PubMed 21782149 (cited by Labcorp Genetics (formerly Invitae), Labcorp); PubMed 25125236 (cited by Labcorp Genetics (formerly Invitae), Labcorp); PubMed 25413698 (cited by Labcorp Genetics (formerly Invitae), Labcorp); PubMed 25652421 (cited by Labcorp Genetics (formerly Invitae), Labcorp).

NM_013275.6(ANKRD11):c.3319_3322del (p.Lys1107fs)

Gene: ANKRD11 (ankyrin repeat domain 11; minus strand). Cytogenetic location: 16q24.3.
Variant type: Deletion.
Coding change: c.3319_3322del on transcript NM_013275.6 (MANE Select); coding-DNA positions 3319 to 3322, 4 bases deleted (AAAG; older notation c.3319_3322delAAAG).
Protein change: p.Lys1107fs; shifts the reading frame from lysine 1107.
Molecular consequence: frameshift variant.
Genome position (GRCh38, 1-based): chr16:89,283,220-89,283,223, CTTT deleted on the plus strand (AAAG on the coding strand, the reverse complement: ANKRD11 is on the minus strand); deleting any 4 consecutive bases within chr16:89,283,220-89,283,226 gives the same sequence; the c. name uses the placement nearest the transcript's 3' end. VCF-style (leftmost placement, unchanged base first): chr16-89283219-CCTTT-C. GRCh37 (hg19) VCF-style: chr16-89349627-CCTTT-C.
Other names: c.3319_3322delAAAG (NM_001256182.2); c.3319_3322del, p.Lys1107fs (NM_001256182.2, NM_001256183.2); short protein forms K1107fs.
Identifiers: ClinVar variation 1341539 (VCV001341539.9), dbSNP rs2151755532, ClinGen allele CA2580092284.
Genomic context (GRCh38, chr16:89,283,219, plus strand): 5'-TCTCTGTCGTCCTCACTCTCATCTGTGAAGATGTCTGCGATGTACCAGCTTTTCTCTTTG[CCTTT>C]CTTGTCATCTTTTTTTTCAGAGAAGTCTTCTGAGATGATCCCAGGGAAAGCCTTCTCCTT-3'